The following is an entry in ClinVar:

ClinVar aggregate classification (germline): Uncertain significance. Review status: criteria provided, multiple submitters, no conflicts (2 of 4 stars). 5 submissions from 5 submitters: Uncertain significance (5). Last evaluated 2026-01-24.

Conditions:
Familial thoracic aortic aneurysm and aortic dissection (TAAD). Also called: Thoracic aortic aneurysms and dissections. Identifiers: Orphanet 91387, MedGen C4707243, MONDO:0019625.
Aortic aneurysm, familial thoracic 4 (AAT4). Also called: AORTIC ANEURYSM/AORTIC DISSECTION AND PATENT DUCTUS ARTERIOSUS. Identifiers: MedGen C1851504, MONDO:0007568, OMIM 132900.

Allele frequency attached by ClinVar (database versions not stated): TOPMed 0.00012; 1000 Genomes Project 30x 0.00016; 1000 Genomes Project 0.00020.
gnomAD v4.1: 33 of 1,612,536 alleles (0.002%); highest among the groups gnomAD compares: African/African-American, 0.04%; no homozygotes.

Submissions (5):

GeneDx
Classification: Uncertain significance. Last evaluated: 2026-01-24. Review status: criteria provided, single submitter. Criteria: GeneDx Variant Classification Process June 2021. Collection method: clinical testing. Allele origin: germline. Affected: yes.
Comment: Has not been previously published as pathogenic or benign to our knowledge; In silico analysis supports that this missense variant has a deleterious effect on protein structure/function

Labcorp Genetics (formerly Invitae), Labcorp
Classification: Uncertain significance for Aortic aneurysm, familial thoracic 4. Last evaluated: 2026-01-12. Review status: criteria provided, single submitter. Criteria: Invitae Variant Classification Sherloc (09022015). Collection method: clinical testing. Allele origin: germline.
Comment: This sequence change replaces arginine, which is basic and polar, with cysteine, which is neutral and slightly polar, at codon 1710 of the MYH11 protein (p.Arg1710Cys). This variant is present in population databases (rs201108170, gnomAD 0.04%). This variant has not been reported in the literature in individuals affected with MYH11-related conditions. ClinVar contains an entry for this variant (Variation ID: 1345011). Invitae Evidence Modeling of protein sequence and biophysical properties (such as structural, functional, and spatial information, amino acid conservation, physicochemical variation, residue mobility, and thermodynamic stability) indicates that this missense variant is not expected to disrupt MYH11 protein function with a negative predictive value of 95%. In summary, the available evidence is currently insufficient to determine the role of this variant in disease. Therefore, it has been classified as a Variant of Uncertain Significance.

Ambry Genetics
Classification: Uncertain significance for Familial thoracic aortic aneurysm and aortic dissection. Last evaluated: 2025-03-23. Review status: criteria provided, single submitter. Criteria: Ambry Variant Classification Scheme 2023. Collection method: clinical testing. Allele origin: germline.
Comment: The p.R1703C variant (also known as c.5107C>T), located in coding exon 35 of the MYH11 gene, results from a C to T substitution at nucleotide position 5107. The arginine at codon 1703 is replaced by cysteine, an amino acid with highly dissimilar properties. This amino acid position is conserved. In addition, the in silico prediction for this alteration is inconclusive. Since supporting evidence is limited at this time, the clinical significance of this alteration remains unclear.

ARUP Laboratories, Molecular Genetics and Genomics, ARUP Laboratories
Classification: Uncertain significance. Last evaluated: 2024-11-26. Review status: criteria provided, single submitter. Criteria: ARUP Molecular Germline Variant Investigation Process 2024. Collection method: clinical testing. Allele origin: germline.
Comment: The MYH11 c.5107C>T; p.Arg1703Cys variant (rs201108170), to our knowledge, is not reported in the medical literature but is reported in ClinVar (Variation ID: 1345011). This variant is found in the African population with an allele frequency of 0.044% (11/24,958 alleles) in the Genome Aggregation Database (v2.1.1). Computational analyses are uncertain whether this variant is neutral or deleterious (REVEL: 0.511). Given the lack of clinical and functional data, the significance of this variant is uncertain at this time.

Color Diagnostics, LLC DBA Color Health
Classification: Uncertain significance for Familial thoracic aortic aneurysm and aortic dissection. Last evaluated: 2024-03-07. Review status: criteria provided, single submitter. Criteria: ACMG Guidelines, 2015. Collection method: clinical testing. Allele origin: germline.
Comment: This missense variant replaces arginine with cysteine at codon 1710 of the MYH11 protein. Computational prediction is inconclusive regarding the impact of this variant on protein structure and function. To our knowledge, functional studies have not been reported for this variant. This variant has not been reported in individuals affected with MYH11-related disorders in the literature. This variant has been identified in 12/281722 chromosomes in the general population by the Genome Aggregation Database (gnomAD). The available evidence is insufficient to determine the role of this variant in disease conclusively. Therefore, this variant is classified as a Variant of Uncertain Significance.

NM_002474.3(MYH11):c.5107C>T (p.Arg1703Cys)

Genes: MYH11 (myosin heavy chain 11; minus strand), NDE1 (nudE neurodevelopment protein 1; plus strand). Cytogenetic location: 16p13.11.
Variant type: single nucleotide variant.
Coding change: c.5107C>T on transcript NM_002474.3 (MANE Select); coding-DNA position 5107, C replaced by T.
Protein change: p.Arg1703Cys; replaces arginine 1703 with cysteine.
Molecular consequence: missense variant. On other transcripts: intron variant (2).
Genome position (GRCh38, 1-based): chr16:15,719,284, G>A on the plus strand (C>T on the coding strand, the complement: MYH11 is on the minus strand). VCF-style: chr16-15719284-G-A. GRCh37 (hg19) VCF-style: chr16-15813141-G-A.
Other names: c.5128C>T, p.Arg1710Cys (NM_001040113.2, NM_001040114.2); c.5107C>T, p.Arg1703Cys (NM_022844.3); c.948-4907G>A (NM_001143979.2, NM_017668.3); short protein forms R1703C, R1710C.
Identifiers: ClinVar variation 1345011 (VCV001345011.12), dbSNP rs201108170, ClinGen allele CA7921415.